The following is an entry in ClinVar:

ClinVar aggregate classification (germline): Uncertain significance. Review status: criteria provided, single submitter (1 of 4 stars). 4 submissions from 4 submitters: Uncertain significance (1). 3 of the submissions do not count toward it. Last evaluated 2022-08-09.

Conditions:
Primary familial hypertrophic cardiomyopathy (HCM). Identifiers: Orphanet 99739, MedGen C0949658, MeSH D024741, MONDO:0024573. Inheritance: Various modes of inheritance.

Allele frequency attached by ClinVar (database versions not stated): ExAC 0.00001; gnomAD 0.00001; gnomAD exomes 0.00001 and 0.00002; TOPMed 0.00002.

Submissions (4):

Labcorp Genetics (formerly Invitae), Labcorp
Classification: Uncertain significance for Primary familial hypertrophic cardiomyopathy. Last evaluated: 2022-08-09. Review status: criteria provided, single submitter. Criteria: Invitae Variant Classification Sherloc (09022015). Collection method: clinical testing. Allele origin: germline.
Comment: In summary, the available evidence is currently insufficient to determine the role of this variant in disease. Therefore, it has been classified as a Variant of Uncertain Significance. Algorithms developed to predict the effect of missense changes on protein structure and function (SIFT, PolyPhen-2, Align-GVGD) all suggest that this variant is likely to be disruptive. ClinVar contains an entry for this variant (Variation ID: 1175020). This missense change has been observed in individual(s) with hypertrophic cardiomyopathy (PMID: 30206291). This variant is present in population databases (rs765298592, gnomAD 0.01%). This sequence change replaces arginine, which is basic and polar, with tryptophan, which is neutral and slightly polar, at codon 241 of the ILK protein (p.Arg241Trp).

Clinical Genetics DNA and cytogenetics Diagnostics Lab, Erasmus MC, Erasmus Medical Center
Classification: Uncertain significance. Review status: no assertion criteria provided. Collection method: clinical testing. Allele origin: germline. Affected: yes. Study: VKGL Data-share Consensus. Not counted in ClinVar's aggregate classification.

Diagnostic Laboratory, Department of Genetics, University Medical Center Groningen
Classification: Uncertain significance. Review status: no assertion criteria provided. Collection method: clinical testing. Allele origin: germline. Affected: yes. Study: VKGL Data-share Consensus. Not counted in ClinVar's aggregate classification.

Genome Diagnostics Laboratory, University Medical Center Utrecht
Classification: Uncertain significance. Review status: no assertion criteria provided. Collection method: clinical testing. Allele origin: germline. Affected: yes. Study: VKGL Data-share Consensus. Not counted in ClinVar's aggregate classification.

Literature cited by the submitters: PubMed 30206291 (cited by Labcorp Genetics (formerly Invitae), Labcorp).

NM_004517.4(ILK):c.721C>T (p.Arg241Trp)

Genes: TAF10 (TATA-box binding protein associated factor 10; minus strand), ILK (integrin linked kinase; plus strand). Cytogenetic location: 11p15.4.
Variant type: single nucleotide variant.
Coding change: c.721C>T on transcript NM_004517.4 (MANE Select); coding-DNA position 721, C replaced by T.
Protein change: p.Arg241Trp; replaces arginine 241 with tryptophan.
Molecular consequence: missense variant. On other transcripts: 3 prime UTR variant (1).
Genome position (GRCh38, 1-based): chr11:6,609,401, C>T. VCF-style: chr11-6609401-C-T. GRCh37 (hg19) VCF-style: chr11-6630632-C-T.
Other names: c.721C>T, p.Arg241Trp (NM_001014794.3, NM_001014795.3); c.538C>T, p.Arg180Trp (NM_001278441.2); c.319C>T, p.Arg107Trp (NM_001278442.2); c.*1521G>A (NM_006284.4); short protein forms R107W, R180W, R241W.
Identifiers: ClinVar variation 1175020 (VCV001175020.13), dbSNP rs765298592, ClinGen allele CA5858152.